The following is an entry in ClinVar:

NM_012203.2(GRHPR):c.623A>C (p.Gln208Pro)

Gene: GRHPR (glyoxylate and hydroxypyruvate reductase; plus strand). Cytogenetic location: 9p13.2.
Variant type: single nucleotide variant.
Coding change: c.623A>C on transcript NM_012203.2 (MANE Select); coding-DNA position 623, A replaced by C.
Protein change: p.Gln208Pro; replaces glutamine 208 with proline.
Molecular consequence: missense variant.
Genome position (GRCh38, 1-based): chr9:37,430,535, A>C. VCF-style: chr9-37430535-A-C. GRCh37 (hg19) VCF-style: chr9-37430532-A-C.
Other names: short protein forms Q208P.
Identifiers: ClinVar variation 4858206 (VCV004858206.1).

ClinVar aggregate classification (germline): Uncertain significance (1 of 4 stars; one submission).

Conditions:
Nephrolithiasis/nephrocalcinosis. Identifiers: MedGen CN580796.

gnomAD v4.1: 2 of 1,613,954 alleles (0.00012%); highest among the groups gnomAD compares: East Asian, 0.0022%; no homozygotes.

Submission:

Ambry Genetics
Classification: Uncertain significance for Nephrolithiasis/nephrocalcinosis. Last evaluated: 2026-04-27. Review status: criteria provided, single submitter. Criteria: Ambry Variant Classification Scheme 2023. Collection method: clinical testing. Allele origin: germline.
Comment: The p.Q208P variant (also known as c.623A>C), located in coding exon 7 of the GRHPR gene, results from an A to C substitution at nucleotide position 623. The glutamine at codon 208 is replaced by proline, an amino acid with similar properties. This amino acid position is conserved. In addition, the in silico prediction for this alteration is inconclusive. Based on the available evidence, the clinical significance of this variant remains unclear.